The following is an entry in ClinVar:

NM_006904.7(PRKDC):c.10146C>G (p.Phe3382Leu)

Gene: PRKDC (protein kinase, DNA-activated, catalytic subunit; minus strand). Cytogenetic location: 8q11.21.
Variant type: single nucleotide variant.
Coding change: c.10146C>G on transcript NM_006904.7 (MANE Select); coding-DNA position 10146, C replaced by G.
Protein change: p.Phe3382Leu; replaces phenylalanine 3382 with leucine.
Molecular consequence: missense variant.
Genome position (GRCh38, 1-based): chr8:47,799,361, G>C on the plus strand (C>G on the coding strand, the complement: PRKDC is on the minus strand). VCF-style: chr8-47799361-G-C. GRCh37 (hg19) VCF-style: chr8-48711922-G-C.
Other names: c.10146C>G, p.Phe3382Leu (NM_001081640.2); short protein forms F3382L.
Identifiers: ClinVar variation 1516593 (VCV001516593.6), dbSNP rs1245646520, ClinGen allele CA371135462.

ClinVar aggregate classification (germline): Uncertain significance (1 of 4 stars; one submission).

Conditions:
Severe combined immunodeficiency due to DNA-PKcs deficiency. Also called: IMMUNODEFICIENCY 26 WITH NEUROLOGIC ABNORMALITIES; Immunodeficiency 26 with or without neurologic abnormalities. Identifiers: Orphanet 317425, MedGen C4014833, MONDO:0014423, OMIM 615966.

Allele frequency attached by ClinVar (database versions not stated): gnomAD exomes below 0.00001.
gnomAD v4.1: 1 of 1,604,414 alleles (0.000062%); highest among the groups gnomAD compares: Non-Finnish European, 0.000085%; no homozygotes.

Submission:

Labcorp Genetics (formerly Invitae), Labcorp
Classification: Uncertain significance for Severe combined immunodeficiency due to DNA-PKcs deficiency. Last evaluated: 2023-11-28. Review status: criteria provided, single submitter. Criteria: Invitae Variant Classification Sherloc (09022015). Collection method: clinical testing. Allele origin: germline.
Comment: This sequence change replaces phenylalanine with leucine at codon 3382 of the PRKDC protein (p.Phe3382Leu). The phenylalanine residue is moderately conserved and there is a small physicochemical difference between phenylalanine and leucine. This variant is present in population databases (no rsID available, gnomAD 0.0009%). This variant has not been reported in the literature in individuals affected with PRKDC-related conditions. ClinVar contains an entry for this variant (Variation ID: 1516593). Advanced modeling of protein sequence and biophysical properties (such as structural, functional, and spatial information, amino acid conservation, physicochemical variation, residue mobility, and thermodynamic stability) performed at Invitae indicates that this missense variant is not expected to disrupt PRKDC protein function with a negative predictive value of 80%. In summary, the available evidence is currently insufficient to determine the role of this variant in disease. Therefore, it has been classified as a Variant of Uncertain Significance.